The following is an entry in ClinVar:

NM_001080414.4(CCDC88C):c.1342+9C>T

Gene: CCDC88C (coiled-coil and HOOK domain protein 88C; minus strand). Cytogenetic location: 14q32.11.
Variant type: single nucleotide variant.
Coding change: c.1342+9C>T on transcript NM_001080414.4 (MANE Select); 9 bases into the intron after coding-DNA position 1342, C replaced by T.
Molecular consequence: intron variant.
Genome position (GRCh38, 1-based): chr14:91,324,770, G>A on the plus strand (C>T on the coding strand, the complement: CCDC88C is on the minus strand). VCF-style: chr14-91324770-G-A. GRCh37 (hg19) VCF-style: chr14-91791114-G-A.
Identifiers: ClinVar variation 741132 (VCV000741132.11), dbSNP rs370624081, ClinGen allele CA7309937.
Genomic context (GRCh38, chr14:91,324,770, plus strand): 5'-AGGACTCAGCTCCCTGGAGGCAGCGGCGGCCACGGCCAGGCTGGCTCCCCGGCACCAGGC[G>A]CTACCTACCGTCTGACAAGTCTGCGTTCTTGGACAGCTGCTCCAGCTCCCAGCCAAGGTG-3'

ClinVar aggregate classification (germline): Likely benign. Review status: criteria provided, multiple submitters, no conflicts (2 of 4 stars). 3 submissions from 3 submitters: Likely benign (2). 1 of the submissions does not count toward it. Last evaluated 2025-12-30.

Conditions:
CCDC88C-related disorder. Also called: CCDC88C-Related Disorders; CCDC88C-related condition.

Allele frequency attached by ClinVar (database versions not stated): gnomAD 0.00001 and 0.00003; ExAC 0.00003; gnomAD exomes 0.00004; TOPMed 0.00004; 1000 Genomes Project 30x 0.00016; 1000 Genomes Project 0.00020.
gnomAD v4.1: 47 of 1,608,832 alleles (0.0029%); highest among the groups gnomAD compares: East Asian, 0.029%; no homozygotes.

Submissions (3):

Labcorp Genetics (formerly Invitae), Labcorp
Classification: Likely benign. Last evaluated: 2025-12-30. Review status: criteria provided, single submitter. Criteria: Invitae Variant Classification Sherloc (09022015). Collection method: clinical testing. Allele origin: germline.

Blueprint Genetics
Classification: Likely benign. Last evaluated: 2024-10-22. Review status: criteria provided, single submitter. Criteria: ACMG Guidelines, 2015. Collection method: clinical testing. Allele origin: germline.

PreventionGenetics, part of Exact Sciences
Classification: Likely benign for CCDC88C-related condition. Last evaluated: 2019-06-17. Review status: no assertion criteria provided. Collection method: clinical testing. Allele origin: germline. Not counted in ClinVar's aggregate classification.
Comment: This variant is classified as likely benign based on ACMG/AMP sequence variant interpretation guidelines (Richards et al. 2015 PMID: 25741868, with internal and published modifications).